The following is an entry in ClinVar:

NM_004304.5(ALK):c.526T>C (p.Trp176Arg)

Gene: ALK (ALK receptor tyrosine kinase; minus strand). Cytogenetic location: 2p23.1.
Variant type: single nucleotide variant.
Coding change: c.526T>C on transcript NM_004304.5 (MANE Select); coding-DNA position 526, T replaced by C.
Protein change: p.Trp176Arg; replaces tryptophan 176 with arginine.
Molecular consequence: missense variant.
Genome position (GRCh38, 1-based): chr2:29,920,134, A>G on the plus strand (T>C on the coding strand, the complement: ALK is on the minus strand). VCF-style: chr2-29920134-A-G. GRCh37 (hg19) VCF-style: chr2-30143000-A-G.
Other names: short protein forms W176R.
Identifiers: ClinVar variation 948804 (VCV000948804.11), dbSNP rs1365096158, ClinGen allele CA346589872.

ClinVar aggregate classification (germline): Uncertain significance. Review status: criteria provided, multiple submitters, no conflicts (2 of 4 stars). 3 submissions from 3 submitters: Uncertain significance (3). Last evaluated 2025-04-03.

Conditions:
Hereditary cancer-predisposing syndrome. Also called: Neoplastic Syndromes, Hereditary; Hereditary neoplastic syndrome; Hereditary Cancer Syndrome; Tumor predisposition. Identifiers: Orphanet 140162, MedGen C0027672, MeSH D009386, MONDO:0015356.
Neuroblastoma, susceptibility to, 3. Also called: ALK-Related Neuroblastic Tumor Susceptibility. Identifiers: Orphanet 635, MedGen C2751681, MONDO:0013083, OMIM 613014.

Allele frequency attached by ClinVar (database versions not stated): gnomAD exomes below 0.00001; TOPMed below 0.00001; gnomAD 0.00001.
gnomAD v4.1: 3 of 1,613,826 alleles (0.00019%); highest among the groups gnomAD compares: Non-Finnish European, 0.00025%; no homozygotes.

Submissions (3):

Ambry Genetics
Classification: Uncertain significance for Hereditary cancer-predisposing syndrome. Last evaluated: 2025-04-03. Review status: criteria provided, single submitter. Criteria: Ambry Variant Classification Scheme 2023. Collection method: clinical testing. Allele origin: germline.
Comment: The p.W176R variant (also known as c.526T>C), located in coding exon 1 of the ALK gene, results from a T to C substitution at nucleotide position 526. The tryptophan at codon 176 is replaced by arginine, an amino acid with dissimilar properties. This amino acid position is highly conserved in available vertebrate species. In addition, this alteration is predicted to be deleterious by in silico analysis. Based on the available evidence, the clinical significance of this variant remains unclear.

Labcorp Genetics (formerly Invitae), Labcorp
Classification: Uncertain significance for Neuroblastoma, susceptibility to, 3. Last evaluated: 2024-01-09. Review status: criteria provided, single submitter. Criteria: Invitae Variant Classification Sherloc (09022015). Collection method: clinical testing. Allele origin: germline.
Comment: This sequence change replaces tryptophan, which is neutral and slightly polar, with arginine, which is basic and polar, at codon 176 of the ALK protein (p.Trp176Arg). This variant is present in population databases (no rsID available, gnomAD 0.0009%). This variant has not been reported in the literature in individuals affected with ALK-related conditions. ClinVar contains an entry for this variant (Variation ID: 948804). An algorithm developed to predict the effect of missense changes on protein structure and function (PolyPhen-2) suggests that this variant is likely to be disruptive. In summary, the available evidence is currently insufficient to determine the role of this variant in disease. Therefore, it has been classified as a Variant of Uncertain Significance.

Baylor Genetics
Classification: Uncertain significance for Neuroblastoma, susceptibility to, 3. Last evaluated: 2023-10-11. Review status: criteria provided, single submitter. Criteria: ACMG Guidelines, 2015. Collection method: clinical testing. Allele origin: unknown.